The following is an entry in ClinVar:

ClinVar aggregate classification (germline): Uncertain significance. Review status: criteria provided, multiple submitters, no conflicts (2 of 4 stars). 2 submissions from 2 submitters: Uncertain significance (2). Last evaluated 2024-06-25.

Conditions:
Hereditary cancer-predisposing syndrome. Also called: Tumor predisposition; Neoplastic Syndromes, Hereditary; Hereditary Cancer Syndrome; Hereditary neoplastic syndrome. Identifiers: Orphanet 140162, MedGen C0027672, MeSH D009386, MONDO:0015356.
Birt-Hogg-Dube syndrome. Also called: Birt Hogg Dubé syndrome. Identifiers: Orphanet 122, MedGen C0346010, MONDO:0800444.

Allele frequency attached by ClinVar (database versions not stated): gnomAD exomes below 0.00001.
gnomAD v4.1: 1 of 1,614,170 alleles (0.000062%); highest among the groups gnomAD compares: South Asian, 0.0011%; no homozygotes.

Submissions (2):

Labcorp Genetics (formerly Invitae), Labcorp
Classification: Uncertain significance for Birt-Hogg-Dube syndrome. Last evaluated: 2024-06-25. Review status: criteria provided, single submitter. Criteria: Invitae Variant Classification Sherloc (09022015). Collection method: clinical testing. Allele origin: germline.
Comment: This sequence change replaces proline, which is neutral and non-polar, with leucine, which is neutral and non-polar, at codon 528 of the FLCN protein (p.Pro528Leu). This variant is present in population databases (no rsID available, gnomAD 0.003%). This variant has not been reported in the literature in individuals affected with FLCN-related conditions. ClinVar contains an entry for this variant (Variation ID: 1775752). Advanced modeling of protein sequence and biophysical properties (such as structural, functional, and spatial information, amino acid conservation, physicochemical variation, residue mobility, and thermodynamic stability) performed at Invitae indicates that this missense variant is not expected to disrupt FLCN protein function with a negative predictive value of 80%. In summary, the available evidence is currently insufficient to determine the role of this variant in disease. Therefore, it has been classified as a Variant of Uncertain Significance.

Ambry Genetics
Classification: Uncertain significance for Hereditary cancer-predisposing syndrome. Last evaluated: 2021-12-07. Review status: criteria provided, single submitter. Criteria: Ambry Variant Classification Scheme 2023. Collection method: clinical testing. Allele origin: germline.
Comment: The p.P528L variant (also known as c.1583C>T), located in coding exon 11 of the FLCN gene, results from a C to T substitution at nucleotide position 1583. The proline at codon 528 is replaced by leucine, an amino acid with similar properties. This amino acid position is not well conserved in available vertebrate species. In addition, the in silico prediction for this alteration is inconclusive. Since supporting evidence is limited at this time, the clinical significance of this alteration remains unclear.

NM_144997.7(FLCN):c.1583C>T (p.Pro528Leu)

Gene: FLCN (folliculin; minus strand). Cytogenetic location: 17p11.2.
Variant type: single nucleotide variant.
Coding change: c.1583C>T on transcript NM_144997.7 (MANE Select); coding-DNA position 1583, C replaced by T.
Protein change: p.Pro528Leu; replaces proline 528 with leucine.
Molecular consequence: missense variant.
Genome position (GRCh38, 1-based): chr17:17,213,812, G>A on the plus strand (C>T on the coding strand, the complement: FLCN is on the minus strand). VCF-style: chr17-17213812-G-A. GRCh37 (hg19) VCF-style: chr17-17117126-G-A.
Other names: c.1637C>T, p.Pro546Leu (NM_001353229.2); c.1583C>T, p.Pro528Leu (NM_001353230.2, NM_001353231.2); short protein forms P528L, P546L.
Identifiers: ClinVar variation 1775752 (VCV001775752.4), dbSNP rs1293551893, ClinGen allele CA398530438.